The following is an entry in ClinVar:

ClinVar aggregate classification (germline): Pathogenic/Likely pathogenic. Review status: criteria provided, multiple submitters, no conflicts (2 of 4 stars). 7 submissions from 7 submitters: Pathogenic (5); Likely pathogenic (1). 1 of the submissions does not count toward it. Last evaluated 2026-08-24.

Conditions:
ABCG8-related disorder. Also called: ABCG8-related condition.
Sitosterolemia 1. Identifiers: MedGen C2749759, MONDO:0020747, OMIM 210250.

Submissions (7):

PreventionGenetics, part of Exact Sciences
Classification: Pathogenic for ABCG8-related condition. Last evaluated: 2026-08-24. Review status: criteria provided, single submitter. Criteria: ACMG Guidelines, 2015. Collection method: clinical testing. Allele origin: germline.
Comment: The ABCG8 c.547delC variant is predicted to result in a frameshift and premature protein termination (p.Gln183Serfs*9). This variant has been reported, along with a second chain-terminating variant in ABCG8, in at least one individual with sitosterolemia (Berge et al. 2000. PubMed ID: 11099417; Lu et al. 2001. PubMed ID: 11452359). This variant was also reported in the heterozygous state in an individual with low levels of serum low-density lipoprotein-cholesterol and non-alcoholic steatohepatitis, however this individual also harbored an exonic deletion in APOB (Jakubowski et al. 2021. PubMed ID: 34340953). This variant is reported in 0.054% of alleles in individuals of Latino descent in gnomAD. Frameshift variants in ABCG8 are expected to be pathogenic. This variant is interpreted as pathogenic.

Labcorp Genetics (formerly Invitae), Labcorp
Classification: Pathogenic. Last evaluated: 2025-12-02. Review status: criteria provided, single submitter. Criteria: Invitae Variant Classification Sherloc (09022015). Collection method: clinical testing. Allele origin: germline.
Comment: This sequence change creates a premature translational stop signal (p.Gln183Serfs*9) in the ABCG8 gene. It is expected to result in an absent or disrupted protein product. Loss-of-function variants in ABCG8 are known to be pathogenic (PMID: 11452359, 15375183, 16029460). This variant is present in population databases (rs774177695, gnomAD 0.05%). This premature translational stop signal has been observed in individual(s) with sitosterolemia (PMID: 11099417). ClinVar contains an entry for this variant (Variation ID: 4971). For these reasons, this variant has been classified as Pathogenic.

Mayo Clinic Laboratories, Mayo Clinic
Classification: Pathogenic. Last evaluated: 2025-05-08. Review status: criteria provided, single submitter. Criteria: ACMG Guidelines, 2015. Collection method: clinical testing. Allele origin: germline. Observed: 2 variant alleles.
Comment: PM3_strong, PS4_moderate, PVS1

GeneDx
Classification: Likely pathogenic. Last evaluated: 2023-04-19. Review status: criteria provided, single submitter. Criteria: GeneDx Variant Classification Process June 2021. Collection method: clinical testing. Allele origin: germline. Affected: yes.
Comment: Has been reported in an individual with sitosterolemia who also harbored a p.(R412*) variant (Berg et al., 2000); Not observed at significant frequency in large population cohorts (gnomAD); Frameshift variant predicted to result in protein truncation or nonsense mediated decay in a gene for which loss of function is a known mechanism of disease; This variant is associated with the following publications: (PMID: 11452359, 34340953, 11099417)

Revvity Omics, Revvity
Classification: Pathogenic for Sitosterolemia 1. Last evaluated: 2019-05-17. Review status: criteria provided, single submitter. Criteria: ACMG Guidelines, 2015. Collection method: clinical testing. Allele origin: germline.

Eurofins Ntd Llc (ga)
Classification: Pathogenic. Last evaluated: 2016-12-07. Review status: criteria provided, single submitter. Criteria: EGL Classification Definitions 2015. Collection method: clinical testing. Allele origin: germline. Observed: 1 variant allele, 1 heterozygote.

OMIM
Classification: Pathogenic for SITOSTEROLEMIA 1. Last evaluated: 2000-12-01. Review status: no assertion criteria provided. Collection method: literature only. Allele origin: germline. Not counted in ClinVar's aggregate classification.

Literature cited by the submitters: PubMed 11452359 (cited by Labcorp Genetics (formerly Invitae), Labcorp and Mayo Clinic Laboratories, Mayo Clinic); PubMed 15375183 (cited by Labcorp Genetics (formerly Invitae), Labcorp and Mayo Clinic Laboratories, Mayo Clinic); PubMed 16029460 (cited by Labcorp Genetics (formerly Invitae), Labcorp); PubMed 11099417 (cited by 3 submitters); PubMed 34340953 (cited by Mayo Clinic Laboratories, Mayo Clinic); PubMed 36974979 (cited by Mayo Clinic Laboratories, Mayo Clinic).

NM_022437.3(ABCG8):c.547del (p.Gln183fs)

Gene: ABCG8 (ATP binding cassette subfamily G member 8; plus strand). Cytogenetic location: 2p21.
Variant type: Deletion.
Coding change: c.547del on transcript NM_022437.3 (MANE Select); coding-DNA position 547, one base deleted (C; older notation c.547delC).
Protein change: p.Gln183fs; shifts the reading frame from glutamine 183.
Molecular consequence: frameshift variant.
Genome position (GRCh38, 1-based): chr2:43,851,808, C deleted; the last of 3 consecutive C bases (chr2:43,851,806-43,851,808); deleting any one gives the same sequence. VCF-style (leftmost placement, unchanged base first): chr2-43851805-GC-G. GRCh37 (hg19) VCF-style: chr2-44078944-GC-G.
Other names: p.Gln183Serfs*9; c.547del, p.Gln183fs (NM_001357321.2); c.547delC (NM_022437.2); short protein forms Q183fs.
Identifiers: ClinVar variation 4971 (VCV000004971.20), dbSNP rs387906323, ClinGen allele CA253365.